The following is an entry in ClinVar:

ClinVar aggregate classification (germline): Uncertain significance (1 of 4 stars; one submission).

Conditions:
Multiple endocrine neoplasia, type 1 (MEN1). Also called: MEA I; MEN I; WERMER SYNDROME; Endocrine adenomatosis multiple; MEN 1. Identifiers: Orphanet 652, MedGen C0025267, MeSH D018761, MONDO:0007540, OMIM 131100.

Submission:

Labcorp Genetics (formerly Invitae), Labcorp
Classification: Uncertain significance for Multiple endocrine neoplasia, type 1. Last evaluated: 2023-09-09. Review status: criteria provided, single submitter. Criteria: Invitae Variant Classification Sherloc (09022015). Collection method: clinical testing. Allele origin: germline.
Comment: This variant has not been reported in the literature in individuals affected with MEN1-related conditions. In summary, the available evidence is currently insufficient to determine the role of this variant in disease. Therefore, it has been classified as a Variant of Uncertain Significance. Advanced modeling of protein sequence and biophysical properties (such as structural, functional, and spatial information, amino acid conservation, physicochemical variation, residue mobility, and thermodynamic stability) performed at Invitae indicates that this missense variant is expected to disrupt MEN1 protein function. This variant is not present in population databases (gnomAD no frequency). This sequence change replaces phenylalanine, which is neutral and non-polar, with serine, which is neutral and polar, at codon 78 of the MEN1 protein (p.Phe78Ser).

NM_001370259.2(MEN1):c.233T>C (p.Phe78Ser)

Gene: MEN1 (menin 1; minus strand). Cytogenetic location: 11q13.1.
Variant type: single nucleotide variant.
Coding change: c.233T>C on transcript NM_001370259.2 (MANE Select); coding-DNA position 233, T replaced by C.
Protein change: p.Phe78Ser; replaces phenylalanine 78 with serine.
Molecular consequence: missense variant. On other transcripts: non-coding transcript variant (4).
Genome position (GRCh38, 1-based): chr11:64,809,877, A>G on the plus strand (T>C on the coding strand, the complement: MEN1 is on the minus strand). VCF-style: chr11-64809877-A-G. GRCh37 (hg19) VCF-style: chr11-64577349-A-G.
Other names: c.233T>C, p.Phe78Ser (NM_000244.4, NM_001370251.2, NM_001370260.2 and 20 more transcripts); short protein forms F78S.
Identifiers: ClinVar variation 2759302 (VCV002759302.3), dbSNP rs2136188478, ClinGen allele CA381187593.